The following is an entry in ClinVar:

ClinVar aggregate classification (germline): Uncertain significance (1 of 4 stars; one submission).

Conditions:
Arterial tortuosity syndrome (ATORS). Identifiers: Orphanet 3342, MedGen C1859726, MONDO:0008818, OMIM 208050.

Allele frequency attached by ClinVar (database versions not stated): gnomAD 0.00001; TOPMed 0.00002.
gnomAD v4.1: 2 of 1,614,068 alleles (0.00012%); highest among the groups gnomAD compares: Non-Finnish European, 0.00017%; no homozygotes.

Submission:

Labcorp Genetics (formerly Invitae), Labcorp
Classification: Uncertain significance for Arterial tortuosity syndrome. Last evaluated: 2022-07-05. Review status: criteria provided, single submitter. Criteria: Invitae Variant Classification Sherloc (09022015). Collection method: clinical testing. Allele origin: germline.
Comment: This sequence change replaces threonine, which is neutral and polar, with proline, which is neutral and non-polar, at codon 233 of the SLC2A10 protein (p.Thr233Pro). This variant is not present in population databases (gnomAD no frequency). This variant has not been reported in the literature in individuals affected with SLC2A10-related conditions. ClinVar contains an entry for this variant (Variation ID: 409249). Advanced modeling of protein sequence and biophysical properties (such as structural, functional, and spatial information, amino acid conservation, physicochemical variation, residue mobility, and thermodynamic stability) performed at Invitae indicates that this missense variant is not expected to disrupt SLC2A10 protein function. In summary, the available evidence is currently insufficient to determine the role of this variant in disease. Therefore, it has been classified as a Variant of Uncertain Significance.

NM_030777.4(SLC2A10):c.697A>C (p.Thr233Pro)

Gene: SLC2A10 (solute carrier family 2 member 10; plus strand). Cytogenetic location: 20q13.12.
Variant type: single nucleotide variant.
Coding change: c.697A>C on transcript NM_030777.4 (MANE Select); coding-DNA position 697, A replaced by C.
Protein change: p.Thr233Pro; replaces threonine 233 with proline.
Molecular consequence: missense variant.
Genome position (GRCh38, 1-based): chr20:46,725,733, A>C. VCF-style: chr20-46725733-A-C. GRCh37 (hg19) VCF-style: chr20-45354372-A-C.
Other names: short protein forms T233P.
Identifiers: ClinVar variation 409249 (VCV000409249.6), dbSNP rs190252962, ClinGen allele CA16616472.